The following is an entry in ClinVar:

NM_001267550.2(TTN):c.103943del (p.Tyr34648fs)

Genes: TTN (titin; minus strand), TTN-AS1 (TTN antisense RNA 1; plus strand). Cytogenetic location: 2q31.2.
Variant type: Deletion.
Coding change: c.103943del on transcript NM_001267550.2 (MANE Select); coding-DNA position 103943, one base deleted (A; older notation c.103943delA).
Protein change: p.Tyr34648fs; shifts the reading frame from tyrosine 34648.
Molecular consequence: frameshift variant.
Genome position (GRCh38, 1-based): chr2:178,532,672, T deleted on the plus strand (A on the coding strand, the reverse complement: TTN is on the minus strand). VCF-style (leftmost placement, unchanged base first): chr2-178532671-GT-G. GRCh37 (hg19) VCF-style: chr2-179397398-GT-G.
Other names: c.76748del, p.Tyr25583fs (NM_003319.4); c.96239del, p.Tyr32080fs (NM_133378.4); c.77123del, p.Tyr25708fs (NM_133432.3); c.77324del, p.Tyr25775fs (NM_133437.4); c.99020del, p.Tyr33007fs (NM_001256850.1); short protein forms Y25708fs, Y25775fs, Y34648fs, Y25583fs, Y32080fs, Y33007fs.
Identifiers: ClinVar variation 838399 (VCV000838399.10), dbSNP rs1689700102, ClinGen allele CA916081332.
Genomic context (GRCh38, chr2:178,532,671, plus strand): 5'-ATCAATGGGGAGGAGTAATTCTTCATCAGAGATGTCCCCAAGAGAACGTCTTCTAGGTCG[GT>G]AGTAAAAGTCATAATCAGGAGAAGGTGTACGCCGGCGGGCTGGTCTCACTATCTCAAGAT-3'

ClinVar aggregate classification (germline): Likely pathogenic (1 of 4 stars; one submission).

Conditions:
Dilated cardiomyopathy 1G (CMD1G). Identifiers: Orphanet 154, MedGen C1858763, MONDO:0011400, OMIM 604145.
Autosomal recessive limb-girdle muscular dystrophy type 2J (LGMDR10). Also called: Limb-girdle muscular dystrophy, type 2J; MUSCULAR DYSTROPHY, LIMB-GIRDLE, AUTOSOMAL RECESSIVE 10. Identifiers: Orphanet 140922, MedGen C1837342, MONDO:0012127, OMIM 608807.

Submission:

Labcorp Genetics (formerly Invitae), Labcorp
Classification: Likely pathogenic for Dilated cardiomyopathy 1G; Autosomal recessive limb-girdle muscular dystrophy type 2J. Last evaluated: 2023-12-06. Review status: criteria provided, single submitter. Criteria: Invitae Variant Classification Sherloc (09022015). Collection method: clinical testing. Allele origin: germline.
Comment: This sequence change creates a premature translational stop signal (p.Tyr34648Serfs*24) in the TTN gene. While this is not anticipated to result in nonsense mediated decay, it is expected to create a truncated TTN protein. This variant is not present in population databases (gnomAD no frequency). This variant has not been reported in the literature in individuals affected with TTN-related conditions. ClinVar contains an entry for this variant (Variation ID: 838399). This variant is located in the M band of TTN (PMID: 25589632). Truncating variants in this region have been previously reported in individuals affected with autosomal recessive myopathy and muscular dystrophy (PMID: 18948003, 23975875, 24395473). Truncating variants in this region have also been identified in individuals affected with autosomal dominant dilated cardiomyopathy and/or cardio-related conditions (PMID: 27869827, 32964742). In summary, the currently available evidence indicates that the variant is pathogenic, but additional data are needed to prove that conclusively. Therefore, this variant has been classified as Likely Pathogenic.

Literature cited by the submitters: PubMed 25589632; PubMed 18948003; PubMed 23975875; PubMed 24395473; PubMed 27869827; PubMed 32964742.